The following is an entry in ClinVar:

ClinVar aggregate classification (germline): Conflicting classifications of pathogenicity. Review status: criteria provided, conflicting classifications (1 of 4 stars). 4 submissions from 4 submitters: Pathogenic (1); Uncertain significance (1). 2 of the submissions do not count toward it. Last evaluated 2025-06-25.

Conditions:
Cataract-growth hormone deficiency-sensory neuropathy-sensorineural hearing loss-skeletal dysplasia syndrome. Also called: Cataracts, growth hormone deficiency, sensory neuropathy, sensorineural hearing loss, and skeletal dysplasia. Identifiers: Orphanet 436174, MedGen C4014942, MONDO:0014455, OMIM 616007.
Leigh syndrome (NULS). Also called: Leigh's syndrome; Leigh Syndrome (mtDNA deletion); Leigh Disease; Subacute necrotizing encephalopathy; Necrotizing encephalopathy infantile subacute of Leigh; LEIGH SYNDROME, NUCLEAR. Identifiers: Orphanet 506, MedGen C2931891, MONDO:0009723, OMIM 256000.

Allele frequency attached by ClinVar (database versions not stated): gnomAD exomes below 0.00001; ESP Exome Variant Server 0.00008.
gnomAD v4.1: 5 of 1,609,256 alleles (0.00031%); highest among the groups gnomAD compares: Non-Finnish European, 0.00042%; no homozygotes.

Submissions (4):

GeneDx
Classification: Pathogenic. Last evaluated: 2025-06-25. Review status: criteria provided, single submitter. Criteria: GeneDx Variant Classification Process June 2021. Collection method: clinical testing. Allele origin: germline. Affected: yes.
Comment: Nonsense variant predicted to result in protein truncation or nonsense mediated decay in a gene for which loss of function is a known mechanism of disease; Not observed at significant frequency in large population cohorts (gnomAD); This variant is associated with the following publications: (PMID: 39062673, 25130867, 30419932)

Baylor Genetics
Classification: Uncertain significance for Cataract-growth hormone deficiency-sensory neuropathy-sensorineural hearing loss-skeletal dysplasia syndrome. Last evaluated: 2018-03-16. Review status: criteria provided, single submitter. Criteria: ACMG Guidelines, 2015. Collection method: clinical testing. Allele origin: maternal. Affected: yes.
Comment: This variant was determined to be of uncertain significance according to ACMG Guidelines, 2015 [PMID:25741868]. The c.1821G>A (p.W607*) variant has been previously reported in one individual affected with Leigh syndrome [PMID 25130867]

OMIM
Classification: Uncertain significance for VARIANT OF UNKNOWN SIGNIFICANCE. Last evaluated: 2014-11-01. Review status: no assertion criteria provided. Collection method: literature only. Allele origin: germline. Not counted in ClinVar's aggregate classification.

Samuels research lab, Centre de Recherche du CHU Ste-Justine
Classification: Pathogenic for Leigh syndrome. Last evaluated: 2014-04-01. Review status: no assertion criteria provided. Collection method: research. Allele origin: germline. Affected: yes. Observed: 1 variant allele, 1 compound heterozygote. Study: FORGE Canada. Not counted in ClinVar's aggregate classification.
Comment: Molecular characterization of rare pediatric disorders in Canada

Literature cited by the submitters: PubMed 25130867 (cited by 3 submitters).

NM_018060.4(IARS2):c.1821G>A (p.Trp607Ter)

Gene: IARS2 (isoleucyl-tRNA synthetase 2, mitochondrial; plus strand). Cytogenetic location: 1q41.
Variant type: single nucleotide variant.
Coding change: c.1821G>A on transcript NM_018060.4 (MANE Select); coding-DNA position 1821, G replaced by A.
Protein change: p.Trp607Ter; replaces tryptophan 607 with a stop codon.
Molecular consequence: nonsense.
Genome position (GRCh38, 1-based): chr1:220,126,827, G>A. VCF-style: chr1-220126827-G-A. GRCh37 (hg19) VCF-style: chr1-220300169-G-A.
Other names: short protein forms W607*.
Identifiers: ClinVar variation 156551 (VCV000156551.6), dbSNP rs373436822, ClinGen allele CA233272.